The following is an entry in ClinVar:

NM_001127222.2(CACNA1A):c.2773G>A (p.Ala925Thr)

Gene: CACNA1A (calcium voltage-gated channel subunit alpha1 A; minus strand). Cytogenetic location: 19p13.13.
Variant type: single nucleotide variant.
Coding change: c.2773G>A on transcript NM_001127222.2 (MANE Select); coding-DNA position 2773, G replaced by A.
Protein change: p.Ala925Thr; replaces alanine 925 with threonine.
Molecular consequence: missense variant.
Genome position (GRCh38, 1-based): chr19:13,298,860, C>T on the plus strand (G>A on the coding strand, the complement: CACNA1A is on the minus strand). VCF-style: chr19-13298860-C-T. GRCh37 (hg19) VCF-style: chr19-13409674-C-T.
Other names: c.2785G>A, p.Ala929Thr (NM_000068.4, NM_023035.3); c.2776G>A, p.Ala926Thr (NM_001127221.2, NM_001174080.2); short protein forms A925T, A926T, A929T.
Identifiers: ClinVar variation 1307866 (VCV001307866.2), dbSNP rs2144954889, ClinGen allele CA404342744.

ClinVar aggregate classification (germline): Uncertain significance (1 of 4 stars; one submission).

Submission:

GeneDx
Classification: Uncertain significance. Last evaluated: 2019-08-15. Review status: criteria provided, single submitter. Criteria: GeneDx Variant Classification Process June 2021. Collection method: clinical testing. Allele origin: germline. Affected: yes.
Comment: Not observed in large population cohorts (Lek et al., 2016); In silico analysis, which includes protein predictors and evolutionary conservation, supports that this variant does not alter protein structure/function; Has not been previously published as pathogenic or benign to our knowledge